The following is an entry in ClinVar:

NM_021930.6(RINT1):c.1240A>G (p.Ser414Gly)

Gene: RINT1 (RAD50 interactor 1; plus strand). Cytogenetic location: 7q22.3.
Variant type: single nucleotide variant.
Coding change: c.1240A>G on transcript NM_021930.6 (MANE Select); coding-DNA position 1240, A replaced by G.
Protein change: p.Ser414Gly; replaces serine 414 with glycine.
Molecular consequence: missense variant. On other transcripts: non-coding transcript variant (1).
Genome position (GRCh38, 1-based): chr7:105,550,393, A>G. VCF-style: chr7-105550393-A-G. GRCh37 (hg19) VCF-style: chr7-105190840-A-G.
Other names: c.1006A>G, p.Ser336Gly (NM_001346599.2); c.217A>G, p.Ser73Gly (NM_001346600.2, NM_001346603.2); c.316A>G, p.Ser106Gly (NM_001346601.2); short protein forms S336G, S106G, S414G, S73G.
Identifiers: ClinVar variation 663761 (VCV000663761.20), dbSNP rs781158188, ClinGen allele CA164057617.
Genomic context (GRCh38, chr7:105,550,393, plus strand): 5'-GATGACAATCTCTTCTGTCATTTGGTGGATGAAGTACTCTTGTTTGAAAGGGAGCTACAC[A>G]GTGTTCATGGCTATCCTGGCACTTTTGCTAGTTGTATGCATATTCTATCAGAGGAAACCT-3'
Protein context (NP_068749.3, residues 404-424): EVLLFERELH[Ser414Gly]VHGYPGTFAS

ClinVar aggregate classification (germline): Uncertain significance. Review status: criteria provided, multiple submitters, no conflicts (2 of 4 stars). 3 submissions from 3 submitters: Uncertain significance (3). Last evaluated 2025-07-01.

Allele frequency attached by ClinVar (database versions not stated): gnomAD exomes below 0.00001; TOPMed below 0.00001.
gnomAD v4.1: 7 of 1,614,124 alleles (0.00043%); highest among the groups gnomAD compares: Middle Eastern, 0.016%; no homozygotes.

Submissions (3):

CeGaT Center for Human Genetics Tuebingen
Classification: Uncertain significance. Last evaluated: 2025-07-01. Review status: criteria provided, single submitter. Criteria: CeGaT Center For Human Genetics Tuebingen Variant Classification Criteria Version 2. Collection method: clinical testing. Allele origin: germline. Affected: yes. Observed: 1 variant allele.
Comment: RINT1: PM2, BP4

Ambry Genetics
Classification: Uncertain significance. Last evaluated: 2024-09-12. Review status: criteria provided, single submitter. Criteria: Ambry Variant Classification Scheme 2023. Collection method: clinical testing. Allele origin: germline.
Comment: The p.S414G variant (also known as c.1240A>G), located in coding exon 9 of the RINT1 gene, results from an A to G substitution at nucleotide position 1240. The serine at codon 414 is replaced by glycine, an amino acid with similar properties. This amino acid position is not well conserved in available vertebrate species. In addition, this alteration is predicted to be tolerated by in silico analysis. Since supporting evidence is limited at this time, the clinical significance of this alteration remains unclear.

Labcorp Genetics (formerly Invitae), Labcorp
Classification: Uncertain significance. Last evaluated: 2023-07-17. Review status: criteria provided, single submitter. Criteria: Invitae Variant Classification Sherloc (09022015). Collection method: clinical testing. Allele origin: germline.
Comment: ClinVar contains an entry for this variant (Variation ID: 663761). An algorithm developed to predict the effect of missense changes on protein structure and function (PolyPhen-2) suggests that this variant is likely to be tolerated. In summary, the available evidence is currently insufficient to determine the role of this variant in disease. Therefore, it has been classified as a Variant of Uncertain Significance. This variant has not been reported in the literature in individuals affected with RINT1-related conditions. This variant is present in population databases (rs781158188, gnomAD 0.0009%). This sequence change replaces serine, which is neutral and polar, with glycine, which is neutral and non-polar, at codon 414 of the RINT1 protein (p.Ser414Gly).